The following is an entry in ClinVar:

ClinVar aggregate classification (germline): Pathogenic/Likely pathogenic. Review status: criteria provided, multiple submitters, no conflicts (2 of 4 stars). 2 submissions from 2 submitters: Pathogenic (1); Likely pathogenic (1). Last evaluated 2021-06-01.

Conditions:
Familial cancer of breast. Also called: hereditary breast carcinoma; BREAST CANCER, FAMILIAL; Hereditary breast cancer. Identifiers: Orphanet 227535, MedGen C0346153, MONDO:0016419, OMIM 114480. Disease mechanism: loss of function.
Pancreatic cancer, susceptibility to, 3. Identifiers: Orphanet 1333, MedGen C3150547, MONDO:0013236, OMIM 613348.
Fanconi anemia complementation group N. Also called: PALB2-Related Fanconi Anemia. Identifiers: Orphanet 84, MedGen C1835817, MONDO:0012565, OMIM 610832. Disease mechanism: loss of function.
Breast-ovarian cancer, familial, susceptibility to, 5 (BROVCA5). Identifiers: MedGen C5830615, MONDO:0957530, OMIM 620442.

Submissions (2):

Labcorp Genetics (formerly Invitae), Labcorp
Classification: Pathogenic for Familial cancer of breast. Last evaluated: 2021-06-01. Review status: criteria provided, single submitter. Criteria: Invitae Variant Classification Sherloc (09022015). Collection method: clinical testing. Allele origin: germline.
Comment: This sequence change creates a premature translational stop signal (p.Tyr28*) in the PALB2 gene. It is expected to result in an absent or disrupted protein product. Loss-of-function variants in PALB2 are known to be pathogenic (PMID: 17200668, 24136930, 25099575). This variant is not present in population databases (ExAC no frequency). This variant has not been reported in the literature in individuals with PALB2-related conditions. For these reasons, this variant has been classified as Pathogenic.

Juno Genomics, Hangzhou Juno Genomics, Inc
Classification: Likely pathogenic for Breast-ovarian cancer, familial, susceptibility to, 5; Pancreatic cancer, susceptibility to, 3; Fanconi anemia complementation group N. Review status: criteria provided, single submitter. Criteria: ACMG Guidelines, 2015. Collection method: clinical testing. Allele origin: germline.
Comment: Absent from controls (or at extremely low frequency if recessive) in Genome Aggregation Database.;Null variant in a gene where loss of function (LOF) is a known mechanism of disease.

Literature cited by the submitters: PubMed 17200668 (cited by Labcorp Genetics (formerly Invitae), Labcorp); PubMed 24136930 (cited by Labcorp Genetics (formerly Invitae), Labcorp); PubMed 25099575 (cited by Labcorp Genetics (formerly Invitae), Labcorp).

NM_024675.4(PALB2):c.84C>G (p.Tyr28Ter)

Gene: PALB2 (partner and localizer of BRCA2; minus strand). Cytogenetic location: 16p12.2.
Variant type: single nucleotide variant.
Coding change: c.84C>G on transcript NM_024675.4 (MANE Select); coding-DNA position 84, C replaced by G.
Protein change: p.Tyr28Ter; replaces tyrosine 28 with a stop codon.
Molecular consequence: nonsense.
Genome position (GRCh38, 1-based): chr16:23,638,094, G>C on the plus strand (C>G on the coding strand, the complement: PALB2 is on the minus strand). VCF-style: chr16-23638094-G-C. GRCh37 (hg19) VCF-style: chr16-23649415-G-C.
Other names: short protein forms Y28*.
Identifiers: ClinVar variation 1454606 (VCV001454606.9), dbSNP rs761533286, ClinGen allele CA395139726.
Genomic context (GRCh38, chr16:23,638,094, plus strand): 5'-CTATAACACCTTAATTTGAGAATACGATTCACTTACCTGAAGGCGGGCTAGTGTCTTGCT[G>C]TATTCCCTTTTCAAGAATGCTAATTTCTCCTTTAACTGGAAGAAGAAAAACACCAACAAT-3'